The following is an entry in ClinVar:

NM_022455.5(NSD1):c.2073C>T (p.Ala691=)

Gene: NSD1 (nuclear receptor binding SET domain protein 1; plus strand). Cytogenetic location: 5q35.3.
Variant type: single nucleotide variant.
Coding change: c.2073C>T on transcript NM_022455.5 (MANE Select); coding-DNA position 2073, C replaced by T.
Protein change: p.Ala691=; no amino-acid change (alanine 691 retained).
Molecular consequence: synonymous variant.
Genome position (GRCh38, 1-based): chr5:177,210,472, C>T. VCF-style: chr5-177210472-C-T. GRCh37 (hg19) VCF-style: chr5-176637473-C-T.
Other names: c.1200C>T, p.Ala400= (NM_001365684.2, NM_001409306.1, NM_001409307.1 and 3 more transcripts); c.2073C>T, p.Ala691= (NM_001409301.1, NM_001409302.1, NM_001409303.1); c.1653C>T, p.Ala551= (NM_001409304.1); c.1320C>T, p.Ala440= (NM_001409305.1).
Identifiers: ClinVar variation 1582224 (VCV001582224.31), dbSNP rs1054023528, ClinGen allele CA132829814.

ClinVar aggregate classification (germline): Likely benign. Review status: criteria provided, multiple submitters, no conflicts (2 of 4 stars). 2 submissions from 2 submitters: Likely benign (2). Last evaluated 2022-07-01.

Submissions (2):

CeGaT Center for Human Genetics Tuebingen
Classification: Likely benign. Last evaluated: 2022-07-01. Review status: criteria provided, single submitter. Criteria: CeGaT Center For Human Genetics Tuebingen Variant Classification Criteria Version 2. Collection method: clinical testing. Allele origin: germline. Affected: yes. Observed: 1 variant allele.
Comment: NSD1: PM2:Supporting, BP4, BP7

Labcorp Genetics (formerly Invitae), Labcorp
Classification: Likely benign. Last evaluated: 2021-02-14. Review status: criteria provided, single submitter. Criteria: Invitae Variant Classification Sherloc (09022015). Collection method: clinical testing. Allele origin: germline.